The following is an entry in ClinVar:

ClinVar aggregate classification (germline): Likely benign (1 of 4 stars; one submission).

Submission:

GeneDx
Classification: Likely benign. Last evaluated: 2017-04-05. Review status: criteria provided, single submitter. Criteria: GeneDx Variant Classification (06012015). Collection method: clinical testing. Allele origin: germline. Affected: yes.
Comment: This variant is considered likely benign or benign based on one or more of the following criteria: it is a conservative change, it occurs at a poorly conserved position in the protein, it is predicted to be benign by multiple in silico algorithms, and/or has population frequency not consistent with disease.

NM_001164508.2(NEB):c.13819C>T (p.Arg4607Cys)

Gene: NEB (nebulin; minus strand). Cytogenetic location: 2q23.3.
Variant type: single nucleotide variant.
Coding change: c.13819C>T on transcript NM_001164508.2 (MANE Select); coding-DNA position 13819, C replaced by T.
Protein change: p.Arg4607Cys; replaces arginine 4607 with cysteine.
Molecular consequence: missense variant. On other transcripts: intron variant (1).
Genome position (GRCh38, 1-based): chr2:151,598,100, G>A on the plus strand (C>T on the coding strand, the complement: NEB is on the minus strand). VCF-style: chr2-151598100-G-A. GRCh37 (hg19) VCF-style: chr2-152454614-G-A.
Other names: c.13819C>T, p.Arg4607Cys (NM_001164507.2, NM_001271208.2); c.11601+11709C>T (NM_004543.5); short protein forms R4607C.
Identifiers: ClinVar variation 508551 (VCV000508551.1), dbSNP rs1553861868, ClinGen allele CA348767931.